The following is an entry in ClinVar:

ClinVar aggregate classification (germline): Uncertain significance (1 of 4 stars; one submission).

Conditions:
Distal hereditary motor neuropathy type 2. Identifiers: Orphanet 139525, MedGen C3711384, MeSH C580044, MONDO:0015352.

Allele frequency attached by ClinVar (database versions not stated): gnomAD exomes below 0.00001; ExAC 0.00001.
gnomAD v4.1: 5 of 1,613,518 alleles (0.00031%); highest among the groups gnomAD compares: South Asian, 0.0011%; no homozygotes.

Submission:

Labcorp Genetics (formerly Invitae), Labcorp
Classification: Uncertain significance for Distal hereditary motor neuropathy type 2. Last evaluated: 2018-07-10. Review status: criteria provided, single submitter. Criteria: Invitae Variant Classification Sherloc (09022015). Collection method: clinical testing. Allele origin: germline.
Comment: This sequence change replaces arginine with glutamine at codon 473 of the FBXO38 protein (p.Arg473Gln). The arginine residue is highly conserved and there is a small physicochemical difference between arginine and glutamine. This variant is present in population databases (rs770228743, ExAC 0.002%). This variant has not been reported in the literature in individuals with FBXO38-related disease. Algorithms developed to predict the effect of missense changes on protein structure and function are either unavailable or do not agree on the potential impact of this missense change (SIFT: "Deleterious"; PolyPhen-2: "Probably Damaging"; Align-GVGD: "Class C0"). In summary, the available evidence is currently insufficient to determine the role of this variant in disease. Therefore, it has been classified as a Variant of Uncertain Significance.

NM_205836.3(FBXO38):c.1418G>A (p.Arg473Gln)

Gene: FBXO38 (F-box protein 38; plus strand). Cytogenetic location: 5q32.
Variant type: single nucleotide variant.
Coding change: c.1418G>A on transcript NM_205836.3 (MANE Select); coding-DNA position 1418, G replaced by A.
Protein change: p.Arg473Gln; replaces arginine 473 with glutamine.
Molecular consequence: missense variant.
Genome position (GRCh38, 1-based): chr5:148,417,004, G>A. VCF-style: chr5-148417004-G-A. GRCh37 (hg19) VCF-style: chr5-147796567-G-A.
Other names: c.1418G>A, p.Arg473Gln (NM_001271723.2, NM_030793.5); short protein forms R473Q.
Identifiers: ClinVar variation 659343 (VCV000659343.10), dbSNP rs770228743, ClinGen allele CA3497285.